The following is an entry in ClinVar:

ClinVar aggregate classification (germline): Conflicting classifications of pathogenicity. Review status: criteria provided, conflicting classifications (1 of 4 stars). 2 submissions from 2 submitters: Uncertain significance (1); Likely benign (1). Last evaluated 2025-02-10.

Allele frequency attached by ClinVar (database versions not stated): ExAC 0.00002; gnomAD 0.00002; gnomAD exomes 0.00002 and 0.00003; TOPMed 0.00002.
gnomAD v4.1: 49 of 1,613,718 alleles (0.003%); highest among the groups gnomAD compares: Non-Finnish European, 0.004%; no homozygotes.

Submissions (2):

Labcorp Genetics (formerly Invitae), Labcorp
Classification: Uncertain significance. Last evaluated: 2025-02-10. Review status: criteria provided, single submitter. Criteria: Invitae Variant Classification Sherloc (09022015). Collection method: clinical testing. Allele origin: germline.
Comment: This sequence change replaces glutamine, which is neutral and polar, with histidine, which is basic and polar, at codon 3621 of the KMT2A protein (p.Gln3621His). This variant is present in population databases (rs781816624, gnomAD 0.005%). This variant has not been reported in the literature in individuals affected with KMT2A-related conditions. ClinVar contains an entry for this variant (Variation ID: 1004214). Invitae Evidence Modeling of protein sequence and biophysical properties (such as structural, functional, and spatial information, amino acid conservation, physicochemical variation, residue mobility, and thermodynamic stability) indicates that this missense variant is not expected to disrupt KMT2A protein function with a negative predictive value of 95%. In summary, the available evidence is currently insufficient to determine the role of this variant in disease. Therefore, it has been classified as a Variant of Uncertain Significance.

CeGaT Center for Human Genetics Tuebingen
Classification: Likely benign. Last evaluated: 2022-12-01. Review status: criteria provided, single submitter. Criteria: CeGaT Center For Human Genetics Tuebingen Variant Classification Criteria Version 2. Collection method: clinical testing. Allele origin: germline. Affected: yes. Observed: 1 variant allele.
Comment: KMT2A: BP4

NM_001197104.2(KMT2A):c.10863G>C (p.Gln3621His)

Gene: KMT2A (lysine methyltransferase 2A; plus strand). Cytogenetic location: 11q23.3.
Variant type: single nucleotide variant.
Coding change: c.10863G>C on transcript NM_001197104.2 (MANE Select); coding-DNA position 10863, G replaced by C.
Protein change: p.Gln3621His; replaces glutamine 3621 with histidine.
Molecular consequence: missense variant.
Genome position (GRCh38, 1-based): chr11:118,509,163, G>C. VCF-style: chr11-118509163-G-C. GRCh37 (hg19) VCF-style: chr11-118379878-G-C.
Other names: c.10854G>C, p.Gln3618His (NM_005933.4); short protein forms Q3618H, Q3621H.
Identifiers: ClinVar variation 1004214 (VCV001004214.37), dbSNP rs781816624, ClinGen allele CA6304852.